The following is an entry in ClinVar:

NM_001792.5(CDH2):c.1920T>A (p.Asp640Glu)

Gene: CDH2 (cadherin 2; minus strand). Cytogenetic location: 18q12.1.
Variant type: single nucleotide variant.
Coding change: c.1920T>A on transcript NM_001792.5 (MANE Select); coding-DNA position 1920, T replaced by A.
Protein change: p.Asp640Glu; replaces aspartic acid 640 with glutamic acid.
Molecular consequence: missense variant.
Genome position (GRCh38, 1-based): chr18:27,985,583, A>T on the plus strand (T>A on the coding strand, the complement: CDH2 is on the minus strand). VCF-style: chr18-27985583-A-T. GRCh37 (hg19) VCF-style: chr18-25565547-A-T.
Other names: c.1827T>A, p.Asp609Glu (NM_001308176.2); short protein forms D609E, D640E.
Identifiers: ClinVar variation 1782682 (VCV001782682.2), dbSNP rs2510793062, ClinGen allele CA402107274.

ClinVar aggregate classification (germline): Uncertain significance (1 of 4 stars; one submission).

Conditions:
Inborn genetic diseases. Identifiers: MedGen C0950123, MeSH D030342.

Submission:

Ambry Genetics
Classification: Uncertain significance for Inborn genetic diseases. Last evaluated: 2021-08-05. Review status: criteria provided, single submitter. Criteria: Ambry Variant Classification Scheme 2023. Collection method: clinical testing. Allele origin: germline.
Comment: The p.D640E variant (also known as c.1920T>A), located in coding exon 12 of the CDH2 gene, results from a T to A substitution at nucleotide position 1920. The aspartic acid at codon 640 is replaced by glutamic acid, an amino acid with highly similar properties. This amino acid position is conserved. In addition, this alteration is predicted to be tolerated by in silico analysis. Since supporting evidence is limited at this time, the clinical significance of this alteration remains unclear.